The following is an entry in ClinVar:

NM_000465.4(BARD1):c.699G>T (p.Glu233Asp)

Gene: BARD1 (BRCA1 associated RING domain 1; minus strand). Cytogenetic location: 2q35.
Variant type: single nucleotide variant.
Coding change: c.699G>T on transcript NM_000465.4 (MANE Select); coding-DNA position 699, G replaced by T.
Protein change: p.Glu233Asp; replaces glutamic acid 233 with aspartic acid.
Molecular consequence: missense variant. On other transcripts: non-coding transcript variant (2), intron variant (3).
Genome position (GRCh38, 1-based): chr2:214,781,175, C>A on the plus strand (G>T on the coding strand, the complement: BARD1 is on the minus strand). VCF-style: chr2-214781175-C-A. GRCh37 (hg19) VCF-style: chr2-215645899-C-A.
Other names: c.642G>T, p.Glu214Asp (NM_001282543.2); c.158+28237G>T (NM_001282548.2); c.215+15886G>T (NM_001282545.2); c.364+11122G>T (NM_001282549.2); short protein forms E214D, E233D.
Identifiers: ClinVar variation 2115145 (VCV002115145.4), dbSNP rs1002531703, ClinGen allele CA350456350.
Genomic context (GRCh38, chr2:214,781,175, plus strand): 5'-CTGAGGACTGGAGATAACAGATGGTTGGCTACAGAAGGATACCAGCTTTTGCTTAGATTC[C>A]TCTTTGGAGTCAAATTCACCATCTTCTTTTTCTGCCTCTAAATTCCATTTTTGGTTGATT-3'
Protein context (NP_000456.2, residues 223-243): EKEDGEFDSK[Glu233Asp]ESKQKLVSFC

ClinVar aggregate classification (germline): Uncertain significance (1 of 4 stars; one submission).

Conditions:
Familial cancer of breast. Also called: hereditary breast carcinoma; BREAST CANCER, FAMILIAL; Hereditary breast cancer. Identifiers: Orphanet 227535, MedGen C0346153, MONDO:0016419, OMIM 114480. Disease mechanism: loss of function.

Allele frequency attached by ClinVar (database versions not stated): TOPMed below 0.00001.

Submission:

Labcorp Genetics (formerly Invitae), Labcorp
Classification: Uncertain significance for Familial cancer of breast. Last evaluated: 2022-03-20. Review status: criteria provided, single submitter. Criteria: Invitae Variant Classification Sherloc (09022015). Collection method: clinical testing. Allele origin: germline.
Comment: This sequence change replaces glutamic acid, which is acidic and polar, with aspartic acid, which is acidic and polar, at codon 233 of the BARD1 protein (p.Glu233Asp). In summary, the available evidence is currently insufficient to determine the role of this variant in disease. Therefore, it has been classified as a Variant of Uncertain Significance. Algorithms developed to predict the effect of missense changes on protein structure and function output the following: SIFT: "Tolerated"; PolyPhen-2: "Benign"; Align-GVGD: "Class C0". The aspartic acid amino acid residue is found in multiple mammalian species, which suggests that this missense change does not adversely affect protein function. This variant has not been reported in the literature in individuals affected with BARD1-related conditions. This variant is not present in population databases (gnomAD no frequency).